The following is an entry in ClinVar:

ClinVar aggregate classification (germline): Uncertain significance. Review status: criteria provided, multiple submitters, no conflicts (2 of 4 stars). 3 submissions from 3 submitters: Uncertain significance (3). Last evaluated 2025-08-06.

Conditions:
Inborn genetic diseases. Identifiers: MedGen C0950123, MeSH D030342.

Allele frequency attached by ClinVar (database versions not stated): TOPMed 0.00045; gnomAD 0.00050 and 0.00051; ESP Exome Variant Server 0.00085; 1000 Genomes Project 30x 0.00031; 1000 Genomes Project 0.00040; gnomAD exomes 0.00042; ExAC 0.00045.
gnomAD v4.1: 1,179 of 1,614,126 alleles (0.073%); highest among the groups gnomAD compares: Non-Finnish European, 0.094%; 1 homozygote.

Submissions (3):

Ambry Genetics
Classification: Uncertain significance for Inborn genetic diseases. Last evaluated: 2025-08-06. Review status: criteria provided, single submitter. Criteria: Ambry Variant Classification Scheme 2023. Collection method: clinical testing. Allele origin: germline.

Labcorp Genetics (formerly Invitae), Labcorp
Classification: Uncertain significance. Last evaluated: 2025-06-23. Review status: criteria provided, single submitter. Criteria: Invitae Variant Classification Sherloc (09022015). Collection method: clinical testing. Allele origin: germline.
Comment: This sequence change replaces arginine, which is basic and polar, with cysteine, which is neutral and slightly polar, at codon 177 of the PGAP2 protein (p.Arg177Cys). This variant is present in population databases (rs117338939, gnomAD 0.08%), and has an allele count higher than expected for a pathogenic variant. This variant has not been reported in the literature in individuals affected with PGAP2-related conditions. ClinVar contains an entry for this variant (Variation ID: 377014). Invitae Evidence Modeling of protein sequence and biophysical properties (such as structural, functional, and spatial information, amino acid conservation, physicochemical variation, residue mobility, and thermodynamic stability) indicates that this missense variant is expected to disrupt PGAP2 protein function with a positive predictive value of 80%. In summary, the available evidence is currently insufficient to determine the role of this variant in disease. Therefore, it has been classified as a Variant of Uncertain Significance.

Center for Pediatric Genomic Medicine, Children's Mercy Hospital and Clinics
Classification: Uncertain significance. Last evaluated: 2016-12-05. Review status: criteria provided, single submitter. Criteria: ACMG Guidelines, 2015. Collection method: clinical testing. Allele origin: germline.
ClinVar note: Converted during submission from Uncertain Significance to Uncertain significance.

NM_014489.4(PGAP2):c.712C>T (p.Arg238Cys)

Gene: PGAP2 (post-GPI attachment to proteins 2; plus strand). Cytogenetic location: 11p15.4.
Variant type: single nucleotide variant.
Coding change: c.712C>T on transcript NM_014489.4 (MANE Select); coding-DNA position 712, C replaced by T.
Protein change: p.Arg238Cys; replaces arginine 238 with cysteine.
Molecular consequence: missense variant. On other transcripts: non-coding transcript variant (15).
Genome position (GRCh38, 1-based): chr11:3,825,023, C>T. VCF-style: chr11-3825023-C-T. GRCh37 (hg19) VCF-style: chr11-3846253-C-T.
Other names: c.517C>T, p.Arg173Cys (NM_001145438.3, NM_001256239.2, NM_001346400.2); c.583C>T, p.Arg195Cys (NM_001256235.2); c.712C>T, p.Arg238Cys (NM_001256236.2); c.608C>T, p.Ser203Leu (NM_001256237.2, NM_001346404.1); c.602C>T, p.Ser201Leu (NM_001256238.2); c.529C>T, p.Arg177Cys (NM_001256240.2, NM_001283038.2, NM_001346398.2 and 1 more transcripts); c.452C>T, p.Ser151Leu (NM_001283039.2); c.272C>T, p.Ser91Leu (NM_001283040.1); and 6 more; short protein forms R195C, R173C, R217C, R295C, S176L, S180L, S201L, S203L.
Identifiers: ClinVar variation 377014 (VCV000377014.9), dbSNP rs117338939, ClinGen allele CA5829882.